The following is an entry in ClinVar:

ClinVar aggregate classification (germline): Uncertain significance. Review status: criteria provided, single submitter (1 of 4 stars). 2 submissions from 2 submitters: Uncertain significance (1). 1 of the submissions does not count toward it. Last evaluated 2022-09-12.

Conditions:
Tay-Sachs disease (TSD). Also called: HEXA Disorders; HEXA DEFICIENCY; Hexosaminidase A Deficiency; GM2 gangliosidosis, type 1; Hexosaminidase alpha-subunit deficiency (variant B); Sphingolipidosis, Tay-Sachs. Identifiers: Orphanet 845, MedGen C0039373, MONDO:0010100, OMIM 272800.

Allele frequency attached by ClinVar (database versions not stated): gnomAD exomes below 0.00001; gnomAD 0.00001; TOPMed 0.00002.
gnomAD v4.1: 3 of 1,610,588 alleles (0.00019%); highest among the groups gnomAD compares: African/African-American, 0.0013%; no homozygotes.

Submissions (2):

Labcorp Genetics (formerly Invitae), Labcorp
Classification: Uncertain significance for Tay-Sachs disease. Last evaluated: 2022-09-12. Review status: criteria provided, single submitter. Criteria: Invitae Variant Classification Sherloc (09022015). Collection method: clinical testing. Allele origin: germline.
Comment: This sequence change replaces glutamic acid, which is acidic and polar, with glutamine, which is neutral and polar, at codon 130 of the HEXA protein (p.Glu130Gln). This variant is not present in population databases (gnomAD no frequency). This variant has not been reported in the literature in individuals affected with HEXA-related conditions. ClinVar contains an entry for this variant (Variation ID: 554861). Algorithms developed to predict the effect of missense changes on protein structure and function output the following: SIFT: "Tolerated"; PolyPhen-2: "Benign"; Align-GVGD: "Class C0". The glutamine amino acid residue is found in multiple mammalian species, which suggests that this missense change does not adversely affect protein function. In summary, the available evidence is currently insufficient to determine the role of this variant in disease. Therefore, it has been classified as a Variant of Uncertain Significance.

Counsyl
Classification: Uncertain significance for Tay-Sachs disease. Last evaluated: 2017-11-16. Review status: no assertion criteria provided. Collection method: clinical testing. Allele origin: unknown. Not counted in ClinVar's aggregate classification.

NM_000520.6(HEXA):c.388G>C (p.Glu130Gln)

Gene: HEXA (hexosaminidase subunit alpha; minus strand). Cytogenetic location: 15q23.
Variant type: single nucleotide variant.
Coding change: c.388G>C on transcript NM_000520.6 (MANE Select); coding-DNA position 388, G replaced by C.
Protein change: p.Glu130Gln; replaces glutamic acid 130 with glutamine.
Molecular consequence: missense variant. On other transcripts: non-coding transcript variant (1).
Genome position (GRCh38, 1-based): chr15:72,355,583, C>G on the plus strand (G>C on the coding strand, the complement: HEXA is on the minus strand). VCF-style: chr15-72355583-C-G. GRCh37 (hg19) VCF-style: chr15-72647924-C-G.
Other names: c.421G>C, p.Glu141Gln (NM_001318825.2); short protein forms E130Q, E141Q.
Identifiers: ClinVar variation 554861 (VCV000554861.7), dbSNP rs917904407, ClinGen allele CA272614653.
Genomic context (GRCh38, chr15:72,355,583, plus strand): 5'-TTTCTCTCTCTCTTTTAATCAGCCCCAATTTGTTACCTCGGAGAGCTCCCCAGACAGTCT[C>G]AGAGAGGAGTAAACACTGGTCATCATTTATGGTCAGGGTATCTGAAATGACAGAAATGAA-3'
Protein context (NP_000511.2, residues 120-140): INDDQCLLLS[Glu130Gln]TVWGALRGLE